The following is an entry in ClinVar:

NM_001267550.2(TTN):c.5917A>G (p.Thr1973Ala)

Gene: TTN (titin; minus strand). Cytogenetic location: 2q31.2.
Variant type: single nucleotide variant.
Coding change: c.5917A>G on transcript NM_001267550.2 (MANE Select); coding-DNA position 5917, A replaced by G.
Protein change: p.Thr1973Ala; replaces threonine 1973 with alanine.
Molecular consequence: missense variant.
Genome position (GRCh38, 1-based): chr2:178,775,947, T>C on the plus strand (A>G on the coding strand, the complement: TTN is on the minus strand). VCF-style: chr2-178775947-T-C. GRCh37 (hg19) VCF-style: chr2-179640674-T-C.
Other names: c.5917A>G, p.Thr1973Ala (NM_133378.4, NM_001256850.1, NM_133379.5); c.5779A>G, p.Thr1927Ala (NM_003319.4, NM_133432.3, NM_133437.4); short protein forms T1973A, T1927A.
Identifiers: ClinVar variation 47242 (VCV000047242.5), dbSNP rs397517666, ClinGen allele CA140427.

ClinVar aggregate classification (germline): Uncertain significance (1 of 4 stars; one submission).

Submission:

Laboratory for Molecular Medicine, Mass General Brigham Personalized Medicine
Classification: Uncertain significance. Last evaluated: 2011-12-16. Review status: criteria provided, single submitter. Criteria: LMM Criteria. Collection method: clinical testing. Allele origin: germline. Observed: 1 variant allele.
Comment: Threonine (Thr) at position 1973 is not well conserved across mammals (two naturally carry the amnino acid present in this patient), suggesting that a chan ge may be tolerated. In addition, two computational tools (AlignGVGD and SIFT) predict this variant to be benign although their accuracy is unknown. This varia nt is less likely pathogenic but additional data is needed to clarify its clinic al significance.